The following is an entry in ClinVar:

ClinVar aggregate classification (germline): Uncertain significance (1 of 4 stars; one submission).

Allele frequency attached by ClinVar (database versions not stated): gnomAD exomes below 0.00001; TOPMed below 0.00001; gnomAD 0.00001.

Submission:

Labcorp Genetics (formerly Invitae), Labcorp
Classification: Uncertain significance. Last evaluated: 2022-05-20. Review status: criteria provided, single submitter. Criteria: Invitae Variant Classification Sherloc (09022015). Collection method: clinical testing. Allele origin: germline.
Comment: In summary, the available evidence is currently insufficient to determine the role of this variant in disease. Therefore, it has been classified as a Variant of Uncertain Significance. Algorithms developed to predict the effect of missense changes on protein structure and function output the following: SIFT: "Deleterious"; PolyPhen-2: "Benign"; Align-GVGD: "Class C0". The methionine amino acid residue is found in multiple mammalian species, which suggests that this missense change does not adversely affect protein function. This variant has not been reported in the literature in individuals affected with WBP2-related conditions. This variant is not present in population databases (gnomAD no frequency). This sequence change replaces threonine, which is neutral and polar, with methionine, which is neutral and non-polar, at codon 244 of the WBP2 protein (p.Thr244Met).

NM_012478.4(WBP2):c.731C>T (p.Thr244Met)

Gene: WBP2 (WW domain binding protein 2; minus strand). Cytogenetic location: 17q25.1.
Variant type: single nucleotide variant.
Coding change: c.731C>T on transcript NM_012478.4 (MANE Select); coding-DNA position 731, C replaced by T.
Protein change: p.Thr244Met; replaces threonine 244 with methionine.
Molecular consequence: missense variant.
Genome position (GRCh38, 1-based): chr17:75,846,909, G>A on the plus strand (C>T on the coding strand, the complement: WBP2 is on the minus strand). VCF-style: chr17-75846909-G-A. GRCh37 (hg19) VCF-style: chr17-73842990-G-A.
Other names: c.596C>T, p.Thr199Met (NM_001330499.2); c.731C>T, p.Thr244Met (NM_001348170.1); short protein forms T199M, T244M.
Identifiers: ClinVar variation 1996700 (VCV001996700.4), dbSNP rs1453540233, ClinGen allele CA401122135.